The following is an entry in ClinVar:

ClinVar aggregate classification (germline): Pathogenic/Likely pathogenic. Review status: criteria provided, multiple submitters, no conflicts (2 of 4 stars). 2 submissions from 2 submitters: Pathogenic (1); Likely pathogenic (1). Last evaluated 2021-10-23.

Conditions:
Marfan syndrome (MFS). Also called: Marfan syndrome, classic; Marfan syndrome type 1; Marfan's syndrome; MARFAN SYNDROME, TYPE I; FBN1-Related Marfan Syndrome. Identifiers: Orphanet 284963, Orphanet 558, MedGen C0024796, MONDO:0007947, OMIM 154700.
Familial thoracic aortic aneurysm and aortic dissection (TAAD). Also called: Thoracic aortic aneurysms and dissections. Identifiers: Orphanet 91387, MedGen C4707243, MONDO:0019625.

Submissions (2):

Labcorp Genetics (formerly Invitae), Labcorp
Classification: Pathogenic for Marfan syndrome; Familial thoracic aortic aneurysm and aortic dissection. Last evaluated: 2021-10-23. Review status: criteria provided, single submitter. Criteria: Invitae Variant Classification Sherloc (09022015). Collection method: clinical testing. Allele origin: germline.
Comment: ClinVar contains an entry for this variant (Variation ID: 384106). This sequence change creates a premature translational stop signal (p.Gln508*) in the FBN1 gene. It is expected to result in an absent or disrupted protein product. Loss-of-function variants in FBN1 are known to be pathogenic (PMID: 17657824, 19293843). This variant is not present in population databases (ExAC no frequency). This variant has not been reported in the literature in individuals affected with FBN1-related conditions. For these reasons, this variant has been classified as Pathogenic.

GeneDx
Classification: Likely pathogenic. Last evaluated: 2016-02-23. Review status: criteria provided, single submitter. Criteria: GeneDx Variant Classification (06012015). Collection method: clinical testing. Allele origin: germline. Affected: yes.
Comment: The Q508X variant in the FBN1 gene has not been reported as a pathogenic variant or as a benign variant to our knowledge. This variant is predicted to cause loss of normal protein function either by protein truncation or nonsense-mediated mRNA decay. Other nonsense variants in the FBN1 gene have been reported in HGMD in association with Marfan syndrome (Stenson et al., 2014). Furthermore, the Q508X variant was not observed in approximately 6,500 individuals of European and African American ancestry in the NHLBI Exome Sequencing Project, indicating it is not a common benign variant in these populations.

Literature cited by the submitters: PubMed 17657824 (cited by Labcorp Genetics (formerly Invitae), Labcorp); PubMed 19293843 (cited by Labcorp Genetics (formerly Invitae), Labcorp).

NM_000138.5(FBN1):c.1522C>T (p.Gln508Ter)

Gene: FBN1 (fibrillin 1; minus strand). Cytogenetic location: 15q21.1.
Variant type: single nucleotide variant.
Coding change: c.1522C>T on transcript NM_000138.5 (MANE Select); coding-DNA position 1522, C replaced by T.
Protein change: p.Gln508Ter; replaces glutamine 508 with a stop codon.
Molecular consequence: nonsense.
Genome position (GRCh38, 1-based): chr15:48,513,615, G>A on the plus strand (C>T on the coding strand, the complement: FBN1 is on the minus strand). VCF-style: chr15-48513615-G-A. GRCh37 (hg19) VCF-style: chr15-48805812-G-A.
Other names: short protein forms Q508*.
Identifiers: ClinVar variation 384106 (VCV000384106.8), dbSNP rs1057521859, ClinGen allele CA16606736.